The following is an entry in ClinVar:

NM_014049.5(ACAD9):c.453+1G>A

Gene: ACAD9 (acyl-CoA dehydrogenase family member 9; plus strand). Cytogenetic location: 3q21.3.
Variant type: single nucleotide variant.
Coding change: c.453+1G>A on transcript NM_014049.5 (MANE Select); the canonical splice donor site of the intron after coding-DNA position 453, G replaced by A.
Molecular consequence: splice donor variant.
Genome position (GRCh38, 1-based): chr3:128,895,417, G>A. VCF-style: chr3-128895417-G-A. GRCh37 (hg19) VCF-style: chr3-128614260-G-A.
Other names: c.453+1G>A (NM_014049.4); c.84+1G>A (NM_001410805.1).
Identifiers: ClinVar variation 2090521 (VCV002090521.6), dbSNP rs1935543685, ClinGen allele CA354433288.
Genomic context (GRCh38, chr3:128,895,417, plus strand): 5'-ATCAGCATGGATGGGTCCATCACTGTGACCCTGGCAGCGCACCAGGCTATTGGCCTCAAG[G>A]TCAGGTATCTGGGGATTCTGTGTGGTGCTCTCTGTAGGTCTTCTGGAGTCACATGGAGGC-3'

ClinVar aggregate classification (germline): Likely pathogenic. Review status: criteria provided, multiple submitters, no conflicts (2 of 4 stars). 3 submissions from 3 submitters: Likely pathogenic (3). Last evaluated 2024-07-08.

Conditions:
Acyl-CoA dehydrogenase 9 deficiency. Also called: Acyl-CoA dehydrogenase family, member 9, deficiency of; MITOCHONDRIAL COMPLEX I DEFICIENCY, NUCLEAR TYPE 20. Identifiers: Orphanet 99901, MedGen C4747517, MONDO:0012624, OMIM 611126.

Allele frequency attached by ClinVar (database versions not stated): gnomAD exomes below 0.00001.
gnomAD v4.1: 5 of 1,602,488 alleles (0.00031%); highest among the groups gnomAD compares: African/African-American, 0.0027%; no homozygotes.

Submissions (3):

Natera, Inc.
Classification: Likely pathogenic for ACAD9 deficiency. Last evaluated: 2024-07-08. Review status: criteria provided, single submitter. Criteria: Natera Variant Classification Schema (03/2026). Collection method: clinical testing. Allele origin: germline.
Comment: The c.453+1G>A variant in ACAD9 is a canonical splice donor site variant predicted to affect pre-mRNA splicing, which may result in an abnormal transcript and altered protein product. This variant is expected to result in nonsense mediated decay, truncation, or a dysfunctional protein product. This variant is rare in the general population with a frequency below the threshold expected for the associated phenotype(s). Given the available evidence, this variant is classified as Likely Pathogenic.

Labcorp Genetics (formerly Invitae), Labcorp
Classification: Likely pathogenic. Last evaluated: 2024-01-25. Review status: criteria provided, single submitter. Criteria: Invitae Variant Classification Sherloc (09022015). Collection method: clinical testing. Allele origin: germline.
Comment: This sequence change affects a donor splice site in intron 4 of the ACAD9 gene. It is expected to disrupt RNA splicing. Variants that disrupt the donor or acceptor splice site typically lead to a loss of protein function (PMID: 16199547), and loss-of-function variants in ACAD9 are known to be pathogenic (PMID: 25721401). This variant is not present in population databases (gnomAD no frequency). This variant has not been reported in the literature in individuals affected with ACAD9-related conditions. ClinVar contains an entry for this variant (Variation ID: 2090521). Algorithms developed to predict the effect of sequence changes on RNA splicing suggest that this variant may disrupt the consensus splice site. In summary, the currently available evidence indicates that the variant is pathogenic, but additional data are needed to prove that conclusively. Therefore, this variant has been classified as Likely Pathogenic.

Baylor Genetics
Classification: Likely pathogenic for Acyl-CoA dehydrogenase 9 deficiency. Last evaluated: 2023-03-02. Review status: criteria provided, single submitter. Criteria: ACMG Guidelines, 2015. Collection method: clinical testing. Allele origin: unknown.

Literature cited by the submitters: PubMed 16199547 (cited by Labcorp Genetics (formerly Invitae), Labcorp); PubMed 25721401 (cited by Labcorp Genetics (formerly Invitae), Labcorp).